The following is an entry in ClinVar:

NM_001134831.2(AHI1):c.3577A>G (p.Thr1193Ala)

Gene: AHI1 (Abelson helper integration site 1; minus strand). Cytogenetic location: 6q23.3.
Variant type: single nucleotide variant.
Coding change: c.3577A>G on transcript NM_001134831.2 (MANE Select); coding-DNA position 3577, A replaced by G.
Protein change: p.Thr1193Ala; replaces threonine 1193 with alanine.
Molecular consequence: missense variant. On other transcripts: intron variant (1).
Genome position (GRCh38, 1-based): chr6:135,290,434, T>C on the plus strand (A>G on the coding strand, the complement: AHI1 is on the minus strand). VCF-style: chr6-135290434-T-C. GRCh37 (hg19) VCF-style: chr6-135611572-T-C.
Other names: c.3577A>G, p.Thr1193Ala (NM_001134830.2, NM_001350503.2, NM_017651.5); c.3486-4787A>G (NM_001350504.2); short protein forms T1193A.
Identifiers: ClinVar variation 2096666 (VCV002096666.4), dbSNP rs2482990437, ClinGen allele CA365840640.

ClinVar aggregate classification (germline): Uncertain significance (1 of 4 stars; one submission).

Conditions:
Joubert syndrome. Also called: CEREBELLOPARENCHYMAL DISORDER IV; JOUBERT-BOLTSHAUSER SYNDROME; Familial aplasia of the vermis. Identifiers: Orphanet 475, MedGen C5979921, MONDO:0018772.

Allele frequency attached by ClinVar (database versions not stated): gnomAD exomes below 0.00001.
gnomAD v4.1: 1 of 1,582,582 alleles (0.000063%); highest among the groups gnomAD compares: South Asian, 0.0011%; no homozygotes.

Submission:

Labcorp Genetics (formerly Invitae), Labcorp
Classification: Uncertain significance for Joubert syndrome. Last evaluated: 2022-02-11. Review status: criteria provided, single submitter. Criteria: Invitae Variant Classification Sherloc (09022015). Collection method: clinical testing. Allele origin: germline.
Comment: In summary, the available evidence is currently insufficient to determine the role of this variant in disease. Therefore, it has been classified as a Variant of Uncertain Significance. Advanced modeling of protein sequence and biophysical properties (such as structural, functional, and spatial information, amino acid conservation, physicochemical variation, residue mobility, and thermodynamic stability) performed at Invitae indicates that this missense variant is not expected to disrupt AHI1 protein function. This variant has not been reported in the literature in individuals affected with AHI1-related conditions. This variant is not present in population databases (gnomAD no frequency). This sequence change replaces threonine, which is neutral and polar, with alanine, which is neutral and non-polar, at codon 1193 of the AHI1 protein (p.Thr1193Ala).